The following is an entry in ClinVar:

ClinVar aggregate classification (germline): Pathogenic/Likely pathogenic. Review status: criteria provided, multiple submitters, no conflicts (2 of 4 stars). 6 submissions from 6 submitters: Pathogenic (2); Likely pathogenic (2). 2 of the submissions do not count toward it. Last evaluated 2024-12-16.

Conditions:
Niemann-Pick disease, type B. Also called: Chronic Visceral ASMD (Niemann-Pick Disease Type B; NPD-B). Identifiers: Orphanet 77293, MedGen C0268243, MONDO:0011871, OMIM 607616. Disease mechanism: loss of function.
Niemann-Pick disease, type A. Also called: SPHINGOMYELIN LIPIDOSIS; SPHINGOMYELINASE DEFICIENCY; Infantile Neurovisceral ASMD (Niemann-Pick Disease Type A; NPD-A). Identifiers: Orphanet 77292, MedGen C0268242, MONDO:0009756, OMIM 257200. Disease mechanism: loss of function.
Sphingomyelin/cholesterol lipidosis. Also called: Niemann-Pick disease. Identifiers: MedGen C0028064, MONDO:0001982.
SMPD1-related disorder. Also called: SMPD1-related condition.

Submissions (6):

Labcorp Genetics (formerly Invitae), Labcorp
Classification: Pathogenic for Niemann-Pick disease, type B; Niemann-Pick disease, type A. Last evaluated: 2024-12-16. Review status: criteria provided, single submitter. Criteria: Invitae Variant Classification Sherloc (09022015). Collection method: clinical testing. Allele origin: germline.
Comment: This sequence change creates a premature translational stop signal (p.Leu382Glnfs*8) in the SMPD1 gene. It is expected to result in an absent or disrupted protein product. Loss-of-function variants in SMPD1 are known to be pathogenic (PMID: 12369017, 15221801). This variant is not present in population databases (gnomAD no frequency). This variant has not been reported in the literature in individuals affected with SMPD1-related conditions. ClinVar contains an entry for this variant (Variation ID: 370363). For these reasons, this variant has been classified as Pathogenic.

Revvity Omics, Revvity
Classification: Likely pathogenic. Last evaluated: 2024-11-08. Review status: criteria provided, single submitter. Criteria: ACMG Guidelines, 2015. Collection method: clinical testing. Allele origin: germline.

Baylor Genetics
Classification: Pathogenic for Niemann-Pick disease, type A. Last evaluated: 2024-02-14. Review status: criteria provided, single submitter. Criteria: ACMG Guidelines, 2015. Collection method: clinical testing. Allele origin: unknown.

Broad Center for Mendelian Genomics, Broad Institute of MIT and Harvard
Classification: Likely pathogenic for Sphingomyelin/cholesterol lipidosis. Last evaluated: 2020-01-22. Review status: criteria provided, single submitter. Criteria: ACMG Guidelines, 2015. Collection method: curation. Allele origin: germline. Inheritance: Autosomal recessive inheritance.
Comment: The p.Leu382GlnfsTer8 variant in SMPD1 (also known as p.Leu380GlnfsTer8 due to a difference in cDNA numbering) has not been previously reported in individuals with Niemann-Pick disease, but has been identified in 0.001% (1/113008) of European (non-Finnish) chromosomes Genome Aggregation Database (gnomAD; dbSNP rs1057516432). Although this variant has been seen in the general population, its frequency is low enough to be consistent with a recessive carrier frequency. This variant has also been reported in ClinVar (VariationID: 370363) as likely pathogenic by Counsyl. This variant is predicted to cause a frameshift, which alters the protein's amino acid sequence beginning at position 382 and leads to a premature termination codon 8 amino acids downstream. This alteration is then predicted to lead to a truncated or absent protein. Loss of function of the SMPD1 gene is an established disease mechanism in autosomal recessive Niemann-Pick disease. In summary, although additional studies are required to fully establish its clinical significance, this variant is likely pathogenic. ACMG/AMP Criteria applied: PVS1, PM2 (Richards 2015).

PreventionGenetics, part of Exact Sciences
Classification: Likely pathogenic for SMPD1-related condition. Last evaluated: 2024-02-08. Review status: no assertion criteria provided. Collection method: clinical testing. Allele origin: germline. Not counted in ClinVar's aggregate classification.
Comment: The SMPD1 c.1145_1146delTC variant is predicted to result in a frameshift and premature protein termination (p.Leu382Glnfs*8). To our knowledge this variant has not been reported in the literature. This variant is reported in 0.00088% of alleles in individuals of European (Non-Finnish) descent in gnomAD. Frameshift variants in SMPD1 are expected to be pathogenic. This variant is interpreted as likely pathogenic.

Counsyl
Classification: Likely pathogenic for Niemann-Pick disease, type A. Last evaluated: 2016-01-22. Review status: no assertion criteria provided. Collection method: clinical testing. Allele origin: unknown. Not counted in ClinVar's aggregate classification.

Literature cited by the submitters: PubMed 12369017 (cited by Labcorp Genetics (formerly Invitae), Labcorp); PubMed 15221801 (cited by Labcorp Genetics (formerly Invitae), Labcorp).

NM_000543.5(SMPD1):c.1145_1146del (p.Leu382fs)

Gene: SMPD1 (sphingomyelin phosphodiesterase 1; plus strand). Cytogenetic location: 11p15.4.
Variant type: Microsatellite.
Coding change: c.1145_1146del on transcript NM_000543.5 (MANE Select); coding-DNA positions 1145 to 1146, 2 bases deleted (TC; older notation c.1145_1146delTC).
Protein change: p.Leu382fs; shifts the reading frame from leucine 382.
Molecular consequence: frameshift variant. On other transcripts: non-coding transcript variant (1), intron variant (1).
Genome position (GRCh38, 1-based): chr11:6,393,269-6,393,270, TC deleted; deleting any 2 consecutive bases within chr11:6,393,263-6,393,270 gives the same sequence; the c. name uses the placement nearest the transcript's 3' end. VCF-style (leftmost placement, unchanged base first): chr11-6393262-ATC-A. GRCh37 (hg19) VCF-style: chr11-6414492-ATC-A.
Other names: c.1132-354TC[3] (NM_001365135.2); c.1145_1146del (NM_000543.4); c.1142_1143del, p.Leu381fs (NM_001007593.3); c.1145_1146del, p.Leu382fs (NM_001318087.2); c.224_225del, p.Leu75fs (NM_001318088.2); short protein forms L382fs, L75fs, L381fs.
Identifiers: ClinVar variation 370363 (VCV000370363.17), dbSNP rs1057516432, ClinGen allele CA16041483.